The following is an entry in ClinVar:

ClinVar aggregate classification (germline): Uncertain significance (1 of 4 stars; one submission).

Conditions:
Inborn genetic diseases. Identifiers: MedGen C0950123, MeSH D030342.

Submission:

Ambry Genetics
Classification: Uncertain significance for Inborn genetic diseases. Last evaluated: 2025-04-28. Review status: criteria provided, single submitter. Criteria: Ambry Variant Classification Scheme 2023. Collection method: clinical testing. Allele origin: germline.
Comment: The p.E1356V variant (also known as c.4067A>T), located in coding exon 14 of the FANCM gene, results from an A to T substitution at nucleotide position 4067. The glutamic acid at codon 1356 is replaced by valine, an amino acid with dissimilar properties. This amino acid position is conserved. In addition, this alteration is predicted to be tolerated by in silico analysis. Based on the available evidence, the clinical significance of this variant remains unclear.

NM_020937.4(FANCM):c.4067A>T (p.Glu1356Val)

Gene: FANCM (FA complementation group M; plus strand). Cytogenetic location: 14q21.2.
Variant type: single nucleotide variant.
Coding change: c.4067A>T on transcript NM_020937.4 (MANE Select); coding-DNA position 4067, A replaced by T.
Protein change: p.Glu1356Val; replaces glutamic acid 1356 with valine.
Molecular consequence: missense variant.
Genome position (GRCh38, 1-based): chr14:45,176,821, A>T. VCF-style: chr14-45176821-A-T. GRCh37 (hg19) VCF-style: chr14-45646024-A-T.
Other names: c.3989A>T, p.Glu1330Val (NM_001308133.2); short protein forms E1356V, E1330V.
Identifiers: ClinVar variation 4022731 (VCV004022731.1).
Genomic context (GRCh38, chr14:45,176,821, plus strand): 5'-TTATGAGTACACCACTCTCTAAATCAAACACATTGAACTCATTTTCTAAGATAAGAAAGG[A>T]AATACTTAAGACACCAGATTCTAGTAAGGAAAAAGTAAACCTACAAAGATTCAAAGAAGC-3'
Protein context (NP_065988.1, residues 1346-1366): TLNSFSKIRK[Glu1356Val]ILKTPDSSKE